The following is an entry in ClinVar:

ClinVar aggregate classification (germline): Uncertain significance (1 of 4 stars; one submission).

Conditions:
CAPN15-related disorder. Also called: CAPN15-related condition.

Submission:

PreventionGenetics, part of Exact Sciences
Classification: Uncertain significance for CAPN15-related condition. Last evaluated: 2026-02-11. Review status: criteria provided, single submitter. Criteria: ACMG Guidelines, 2015. Collection method: clinical testing. Allele origin: germline.
Comment: The CAPN15 c.842_846dup5 variant is predicted to result in a frameshift and premature protein termination (p.Ala283Leufs*6). To our knowledge, this variant has not been reported in the literature. This variant is reported in 0.0011% of alleles in individuals of European (Non-Finnish) descent in gnomAD. Loss of function is not an established mechanism of CAPN15-related condition. At this time, the clinical significance of this variant is uncertain due to the absence of conclusive functional and genetic evidence.

NM_005632.3(CAPN15):c.842_846dup (p.Ala283fs)

Gene: CAPN15 (calpain 15; plus strand). Cytogenetic location: 16p13.3.
Variant type: Microsatellite.
Coding change: c.842_846dup on transcript NM_005632.3 (MANE Select); coding-DNA positions 842 to 846, 5 bases duplicated (CTGGG; older notation c.842_846dupCTGGG).
Protein change: p.Ala283fs; shifts the reading frame from alanine 283.
Molecular consequence: frameshift variant.
Genome position (GRCh38, 1-based): chr16:547,680-547,684, CTGGG duplicated; duplicating any 5 consecutive bases within chr16:547,672-547,684 gives the same sequence; the c. name uses the placement nearest the transcript's 3' end. VCF-style (leftmost placement, unchanged base first): chr16-547671-C-CGGGCT. GRCh37 (hg19) VCF-style: chr16-597671-C-CGGGCT.
Other names: short protein forms A283fs.
Identifiers: ClinVar variation 4989074 (VCV004989074.1).
Genomic context (GRCh38, chr16:547,671, plus strand): 5'-CGGTGCCTGAGGCTGCCCAGCCGTCACCCTCTGCCGGCTGCAGGGGAGCCCCCCAGGGCT[C>CGGGCT]GGGCTGGGCTGGGGCCTCCCGCCTAGCAGAGTTGCTGTCTGGCAAGCGGCTGAGTGTGCT-3'